The following is an entry in ClinVar:

ClinVar aggregate classification (germline): Pathogenic (1 of 4 stars; one submission).

Conditions:
Polycystic kidney disease, adult type (PKD1). Also called: Polycystic Kidney, Autosomal Dominant; POLYCYSTIC KIDNEY DISEASE, ADULT, TYPE I; Polycystic Kidney Disease 1, Autosomal Dominant; Polycystic kidney disease 1; Polycystic kidney disease 1, severe; POLYCYSTIC KIDNEY DISEASE 1 WITH OR WITHOUT POLYCYSTIC LIVER DISEASE. Identifiers: MedGen C3149841, MONDO:0008263, OMIM 173900.

Submission:

Department of Human Genetics, Hannover Medical School
Classification: Pathogenic for Polycystic kidney disease, adult type. Last evaluated: 2025-11-05. Review status: criteria provided, single submitter. Criteria: ACMG Guidelines, 2015. Collection method: clinical testing. Allele origin: germline. Affected: yes.
Comment: PVS1, PM2_Supporting, PP4_Strong

NM_001009944.3(PKD1):c.9201+1G>C

Gene: PKD1 (polycystin 1, transient receptor potential channel interacting; minus strand). Cytogenetic location: 16p13.3.
Variant type: single nucleotide variant.
Coding change: c.9201+1G>C on transcript NM_001009944.3 (MANE Select); the canonical splice donor site of the intron after coding-DNA position 9201, G replaced by C.
Molecular consequence: splice donor variant.
Genome position (GRCh38, 1-based): chr16:2,102,380, C>G on the plus strand (G>C on the coding strand, the complement: PKD1 is on the minus strand). VCF-style: chr16-2102380-C-G. GRCh37 (hg19) VCF-style: chr16-2152381-C-G.
Other names: c.9201+1G>C (NM_000296.4).
Identifiers: ClinVar variation 4526689 (VCV004526689.1).
Genomic context (GRCh38, chr16:2,102,380, plus strand): 5'-CCGAGCCCACCCAGGCCCTCCTCGACTCTGCAGAGGCTCCCAGGAGCACAGGGTCACTCA[C>G]AGGAAACACAAAGCGGACATGGCTTGGGGGCACGAAGAGGCTGGCGCCGAAGGCGGTGAG-3'